The following is an entry in ClinVar:

NM_032951.3(MLXIPL):c.483+8G>A

Gene: MLXIPL (MLX interacting protein like; minus strand). Cytogenetic location: 7q11.23.
Variant type: single nucleotide variant.
Coding change: c.483+8G>A on transcript NM_032951.3 (MANE Select); 8 bases into the intron after coding-DNA position 483, G replaced by A.
Molecular consequence: intron variant.
Genome position (GRCh38, 1-based): chr7:73,607,582, C>T on the plus strand (G>A on the coding strand, the complement: MLXIPL is on the minus strand). VCF-style: chr7-73607582-C-T. GRCh37 (hg19) VCF-style: chr7-73021912-C-T.
Other names: c.483+8G>A (NM_032954.3, NM_032953.3, NM_032952.3).
Identifiers: ClinVar variation 782108 (VCV000782108.33), dbSNP rs72649026, ClinGen allele CA4289548.
Genomic context (GRCh38, chr7:73,607,582, plus strand): 5'-GGAGGCAGGGGCTGGTCTTGGTGGGTGGGCAGGTGGGCAGGTGGGCAGGCGGTCCAGAAC[C>T]CAGCTACCTCCGGCTTCCGGTGCGCATCAGCCTCAGGCCCCTGCAGGGGGGTCACGAAGC-3'

ClinVar aggregate classification (germline): Benign/Likely benign. Review status: criteria provided, multiple submitters, no conflicts (2 of 4 stars). 3 submissions from 3 submitters: Benign (2); Likely benign (1). Last evaluated 2026-07-01.

Allele frequency attached by ClinVar (database versions not stated): gnomAD 0.00285; TOPMed 0.00287; ExAC 0.00313; ESP Exome Variant Server 0.00377; gnomAD exomes 0.00386 and 0.00277; 1000 Genomes Project 30x 0.00156; 1000 Genomes Project 0.00180.

Submissions (3):

CeGaT Center for Human Genetics Tuebingen
Classification: Likely benign. Last evaluated: 2026-07-01. Review status: criteria provided, single submitter. Criteria: CeGaT Center For Human Genetics Tuebingen Variant Classification Criteria Version 2. Collection method: clinical testing. Allele origin: germline. Affected: yes. Observed: 9 variant alleles.
Comment: MLXIPL: BP4, BS2

Labcorp Genetics (formerly Invitae), Labcorp
Classification: Benign. Last evaluated: 2019-12-31. Review status: criteria provided, single submitter. Criteria: Invitae Variant Classification Sherloc (09022015). Collection method: clinical testing. Allele origin: germline.

Breakthrough Genomics
Classification: Benign. Review status: criteria provided, single submitter. Criteria: ACMG Guidelines, 2015. Collection method: not provided. Allele origin: germline. Inheritance: Unknown mechanism. Affected: yes.